The following is an entry in ClinVar:

ClinVar aggregate classification (germline): Uncertain significance (1 of 4 stars; one submission).

Submission:

Labcorp Genetics (formerly Invitae), Labcorp
Classification: Uncertain significance. Last evaluated: 2025-09-07. Review status: criteria provided, single submitter. Criteria: Invitae Variant Classification Sherloc (09022015). Collection method: clinical testing. Allele origin: germline.
Comment: This sequence change replaces glutamic acid, which is acidic and polar, with glutamine, which is neutral and polar, at codon 77 of the COX10 protein (p.Glu77Gln). This variant is not present in population databases (gnomAD no frequency). This variant has not been reported in the literature in individuals affected with COX10-related conditions. An algorithm developed to predict the effect of missense changes on protein structure and function (PolyPhen-2) suggests that this variant is likely to be disruptive. In summary, the available evidence is currently insufficient to determine the role of this variant in disease. Therefore, it has been classified as a Variant of Uncertain Significance.

NM_001303.4(COX10):c.229G>C (p.Glu77Gln)

Gene: COX10 (cytochrome c oxidase assembly factor heme A:farnesyltransferase COX10; plus strand). Cytogenetic location: 17p12.
Variant type: single nucleotide variant.
Coding change: c.229G>C on transcript NM_001303.4 (MANE Select); coding-DNA position 229, G replaced by C.
Protein change: p.Glu77Gln; replaces glutamic acid 77 with glutamine.
Molecular consequence: missense variant.
Genome position (GRCh38, 1-based): chr17:14,076,786, G>C. VCF-style: chr17-14076786-G-C. GRCh37 (hg19) VCF-style: chr17-13980103-G-C.
Other names: short protein forms E77Q.
Identifiers: ClinVar variation 4780885 (VCV004780885.1).